The following is an entry in ClinVar:

ClinVar aggregate classification (germline): Likely pathogenic. Review status: reviewed by expert panel (3 of 4 stars). 4 submissions from 4 submitters: Likely pathogenic (1). 3 of the submissions do not count toward it. Last evaluated 2024-12-12.

Conditions:
RPE65-related recessive retinopathy. Also called: Recessive RPE65 retinopathy. Identifiers: MedGen CN305526, MONDO:0100368.
Leber congenital amaurosis 2 (LCA2). Also called: Autosomal Recessive RPE65-Related Retinal Degeneration; AMAUROSIS CONGENITA OF LEBER II. Identifiers: Orphanet 65, MedGen C1859844, MONDO:0008765, OMIM 204100. Disease mechanism: loss of function.
Retinitis pigmentosa 20 (RP20). Identifiers: Orphanet 791, MedGen C3151086, MONDO:0013425, OMIM 613794.
Leber congenital amaurosis (LCA). Also called: Leber's amaurosis. Identifiers: Orphanet 65, MedGen C0339527, MeSH D057130, MONDO:0018998.

Allele frequency attached by ClinVar (database versions not stated): TOPMed 0.00001.
gnomAD v4.1: 5 of 1,613,764 alleles (0.00031%); highest among the groups gnomAD compares: Non-Finnish European, 0.00042%; no homozygotes.

Submissions (4):

ClinGen Leber Congenital Amaurosis/early Onset Retinal Dystrophy Variant Curation Expert Panel, ClinGen
Classification: Likely pathogenic for RPE65-related recessive retinopathy. Last evaluated: 2024-12-12. Review status: reviewed by expert panel. Criteria: ClinGen LCAeoRD ACMG Specifications RPE65 V1.0.0. Collection method: curation. Allele origin: germline. Inheritance: Autosomal recessive inheritance.
Comment: NM_000329.3(RPE65):c.1078G>C is a missense variant predicted to replace alanine with proline at position 360. This variant is present in gnomAD v.4.1.0 at a Grpmax allele frequency of 0.000001240, with 5 alleles / 1179942 total alleles in the European (non-Finnish) population, which is lower than the ClinGen LCA/eoRD VCEP PM2_Supporting threshold of <0.0002 (PM2_Supporting). This variant has been reported in at least 2 unrelated probands with early-onset severe retinal dystrophy who were compound heterozygous with the NM_000329.3(RPE65):c.1282_1303del (p.Gly428MetfsTer5) or NM_000329.3(RPE65):c.1039C>T (p.Arg347Cys) variants confirmed in trans (PMID: 19431183, PMID: 33952291), both were previously classified likely pathogenic by the ClinGen LCA/eoRD VCEP (2 points total, PM3_strong). At least one proband harboring this variant exhibits a phenotype including diagnosis of Leber congenital amaurosis (0.5 pts) by next-generation sequencing-based genotyping of a panel of 586 eye disease-associated genes (2 pts), congenital onset (1 pt), reduced central visual acuity (1 pt), extinct ERG responses from rods (0.5 pts) and cones (1 pt), and nystagmus (1 pt), which together are specific for RPE65-related recessive retinopathy (7 pts total, PMID: 33952291, PP4). The computational predictor REVEL gives a score of 0.677, which is above the ClinGen LCA/eoRD VCEP threshold of ≥0.644 and predicts a damaging effect on RPE65 function (PP3). In summary, this variant meets the criteria to be classified as Likely Pathogenic for RPE65-related recessive retinopathy based on the ACMG/AMP criteria applied, as specified by the ClinGen LCA/eoRD VCEP: PM2_Supporting, PM3_Strong, PP3, and PP4. (VCEP specifications version 1.0.0; date of approval 09/21/2023).

Natera, Inc.
Classification: Likely pathogenic for Leber congenital amaurosis. Last evaluated: 2025-02-17. Review status: criteria provided, single submitter. Criteria: Natera Variant Classification Schema (03/2026). Collection method: clinical testing. Allele origin: germline. Not counted in ClinVar's aggregate classification.
Comment: The c.1078G>C variant in RPE65 is a missense variant predicted to cause substitution of alanine to proline at amino acid 360. This variant is rare in the general population with a frequency below the threshold expected for the associated phenotype(s). This variant has been observed in one or more individuals affected with the associated recessive disease, as either homozygous or compound heterozygous with a second variant (PMID: 19431183, 33952291). This variant has been identified in one or more affected individuals with a phenotype highly consistent with the associated gene (PMID: 33952291). Computational prediction algorithms indicate this variant is likely to affect gene or protein function. Given the available evidence, this variant is classified as Likely Pathogenic.

Labcorp Genetics (formerly Invitae), Labcorp
Classification: Pathogenic for Leber congenital amaurosis 2; Retinitis pigmentosa 20. Last evaluated: 2024-01-31. Review status: criteria provided, single submitter. Criteria: Invitae Variant Classification Sherloc (09022015). Collection method: clinical testing. Allele origin: germline. Not counted in ClinVar's aggregate classification.
Comment: This sequence change replaces alanine, which is neutral and non-polar, with proline, which is neutral and non-polar, at codon 360 of the RPE65 protein (p.Ala360Pro). This variant is not present in population databases (gnomAD no frequency). This missense change has been observed in individual(s) with Leber congenital amaurosis (PMID: 19431183, 33952291). In at least one individual the data is consistent with being in trans (on the opposite chromosome) from a pathogenic variant. ClinVar contains an entry for this variant (Variation ID: 98823). Advanced modeling of protein sequence and biophysical properties (such as structural, functional, and spatial information, amino acid conservation, physicochemical variation, residue mobility, and thermodynamic stability) performed at Invitae indicates that this missense variant is not expected to disrupt RPE65 protein function with a negative predictive value of 80%. For these reasons, this variant has been classified as Pathogenic.

Retina International
No classification provided. Review status: no classification provided. Collection method: not provided. Allele origin: not provided. Not counted in ClinVar's aggregate classification.

Literature cited by the submitters: PubMed 19431183 (cited by Natera, Inc. and Labcorp Genetics (formerly Invitae), Labcorp); PubMed 33952291 (cited by Natera, Inc. and Labcorp Genetics (formerly Invitae), Labcorp).

NM_000329.3(RPE65):c.1078G>C (p.Ala360Pro)

Gene: RPE65 (retinoid isomerohydrolase RPE65; minus strand). Cytogenetic location: 1p31.3.
Variant type: single nucleotide variant.
Coding change: c.1078G>C on transcript NM_000329.3 (MANE Select); coding-DNA position 1078, G replaced by C.
Protein change: p.Ala360Pro; replaces alanine 360 with proline.
Molecular consequence: missense variant.
Genome position (GRCh38, 1-based): chr1:68,438,237, C>G on the plus strand (G>C on the coding strand, the complement: RPE65 is on the minus strand). VCF-style: chr1-68438237-C-G. GRCh37 (hg19) VCF-style: chr1-68903920-C-G.
Other names: NM_000329.3(RPE65):c.1078G>C; p.Ala360Pro; short protein forms A360P.
Identifiers: ClinVar variation 98823 (VCV000098823.10), dbSNP rs62646883, ClinGen allele CA226480.